The following is an entry in ClinVar:

ClinVar aggregate classification (germline): Conflicting classifications of pathogenicity. Review status: criteria provided, conflicting classifications (1 of 4 stars). 2 submissions from 2 submitters: Uncertain significance (1); Likely benign (1). Last evaluated 2024-09-20.

Conditions:
Congenital lactase deficiency. Also called: ALACTASIA, CONGENITAL; DISACCHARIDE INTOLERANCE II. Identifiers: Orphanet 53690, MedGen C0268179, MONDO:0009115, OMIM 223000.

Allele frequency attached by ClinVar (database versions not stated): TOPMed 0.00008; gnomAD 0.00011; gnomAD exomes 0.00013 and 0.00022; ESP Exome Variant Server 0.00015; ExAC 0.00026.
gnomAD v4.1: 224 of 1,614,022 alleles (0.014%); highest among the groups gnomAD compares: South Asian, 0.034%; no homozygotes.

Submissions (2):

3billion
Classification: Likely benign for Congenital lactase deficiency. Last evaluated: 2024-09-20. Review status: criteria provided, single submitter. Criteria: ACMG Guidelines, 2015. Collection method: clinical testing. Allele origin: germline. Affected: no.
Comment: The homozygous variant was found in patients diagnosed with another variant in a different gene, with no symptoms related to the gene containing the homozygous variant.

Labcorp Genetics (formerly Invitae), Labcorp
Classification: Uncertain significance. Last evaluated: 2022-06-15. Review status: criteria provided, single submitter. Criteria: Invitae Variant Classification Sherloc (09022015). Collection method: clinical testing. Allele origin: germline.
Comment: This sequence change replaces arginine, which is basic and polar, with cysteine, which is neutral and slightly polar, at codon 1908 of the LCT protein (p.Arg1908Cys). This variant is present in population databases (rs138964370, gnomAD 0.05%). This variant has not been reported in the literature in individuals affected with LCT-related conditions. ClinVar contains an entry for this variant (Variation ID: 1025930). Algorithms developed to predict the effect of missense changes on protein structure and function output the following: SIFT: "Not Available"; PolyPhen-2: "Benign"; Align-GVGD: "Not Available". The cysteine amino acid residue is found in multiple mammalian species, which suggests that this missense change does not adversely affect protein function. In summary, the available evidence is currently insufficient to determine the role of this variant in disease. Therefore, it has been classified as a Variant of Uncertain Significance.

NM_002299.4(LCT):c.5722C>T (p.Arg1908Cys)

Gene: LCT (lactase; minus strand). Cytogenetic location: 2q21.3.
Variant type: single nucleotide variant.
Coding change: c.5722C>T on transcript NM_002299.4 (MANE Select); coding-DNA position 5722, C replaced by T.
Protein change: p.Arg1908Cys; replaces arginine 1908 with cysteine.
Molecular consequence: missense variant.
Genome position (GRCh38, 1-based): chr2:135,788,386, G>A on the plus strand (C>T on the coding strand, the complement: LCT is on the minus strand). VCF-style: chr2-135788386-G-A. GRCh37 (hg19) VCF-style: chr2-136545956-G-A.
Other names: short protein forms R1908C.
Identifiers: ClinVar variation 1025930 (VCV001025930.5), dbSNP rs138964370, ClinGen allele CA1887556.
Genomic context (GRCh38, chr2:135,788,386, plus strand): 5'-AGAATGAAGACACCGGGCTCAATTCCTGTTGGCTTCGTTGTGTTTTCCCTTGCTTAGAGC[G>A]CTTGCAGTACTTGTATGACAGAAATGCCAAGCCACAGACTCCAAGAAGCACAAGAGAAAA-3'
Protein context (NP_002290.2, residues 1898-1918): LAFLSYKYCK[Arg1908Cys]SKQGKTQRSQ